The following is an entry in ClinVar:

NM_144997.7(FLCN):c.-430C>T

Gene: FLCN (folliculin; minus strand). Cytogenetic location: 17p11.2.
Variant type: single nucleotide variant.
Coding change: c.-430C>T on transcript NM_144997.7 (MANE Select); 430 bases upstream of the start codon, C replaced by T.
Molecular consequence: 5 prime UTR variant.
Genome position (GRCh38, 1-based): chr17:17,237,114, G>A on the plus strand (C>T on the coding strand, the complement: FLCN is on the minus strand). VCF-style: chr17-17237114-G-A. GRCh37 (hg19) VCF-style: chr17-17140428-G-A.
Other names: c.-638C>T (NM_001353229.2); c.-713C>T (NM_001353230.2); c.-629C>T (NM_001353231.2); c.-430C>T (NM_144606.7).
Identifiers: ClinVar variation 890429 (VCV000890429.4), dbSNP rs553452028, ClinGen allele CA288329619.

ClinVar aggregate classification (germline): Benign/Likely benign. Review status: criteria provided, single submitter (1 of 4 stars). 2 submissions from 1 submitter: Benign (1); Likely benign (1). Last evaluated 2018-01-12.

Conditions:
Familial spontaneous pneumothorax (PSP). Identifiers: Orphanet 2903, MedGen C1868193, MONDO:0008259, OMIM 173600.
Birt-Hogg-Dube syndrome. Also called: Birt Hogg Dubé syndrome. Identifiers: Orphanet 122, MedGen C0346010, MONDO:0800444.

Allele frequency attached by ClinVar (database versions not stated): gnomAD 0.00001 and 0.00006; TOPMed 0.00002; 1000 Genomes Project 0.00060; 1000 Genomes Project 30x 0.00062.

Submissions (2):

Illumina Laboratory Services, Illumina
Classification: Likely benign for Familial spontaneous pneumothorax. Last evaluated: 2018-01-12. Review status: criteria provided, single submitter. Criteria: ICSL Variant Classification Criteria 13 December 2019. Collection method: clinical testing. Allele origin: germline.
Comment: This variant was observed in the ICSL laboratory as part of a predisposition screen in an ostensibly healthy population. It had not been previously curated by ICSL or reported in the Human Gene Mutation Database (HGMD: prior to June 1st, 2018), and was therefore a candidate for classification through an automated scoring system. Utilizing variant allele frequency, disease prevalence and penetrance estimates, and inheritance mode, an automated score was calculated to assess if this variant is too frequent to cause the disease. Based on the score and internal cut-off values, a variant classified as likely benign is not then subjected to further curation. The score for this variant resulted in a classification of likely benign for this disease.

Illumina Laboratory Services, Illumina
Classification: Benign for Birt-Hogg-Dube syndrome 1. Last evaluated: 2018-01-12. Review status: criteria provided, single submitter. Criteria: ICSL Variant Classification Criteria 13 December 2019. Collection method: clinical testing. Allele origin: germline.
Comment: This variant was observed in the ICSL laboratory as part of a predisposition screen in an ostensibly healthy population. It had not been previously curated by ICSL or reported in the Human Gene Mutation Database (HGMD: prior to June 1st, 2018), and was therefore a candidate for classification through an automated scoring system. Utilizing variant allele frequency, disease prevalence and penetrance estimates, and inheritance mode, an automated score was calculated to assess if this variant is too frequent to cause the disease. Based on the score and internal cut-off values, a variant classified as benign is not then subjected to further curation. The score for this variant resulted in a classification of benign for this disease.